The following is an entry in ClinVar:

NM_002432.3(MNDA):c.1115T>C (p.Leu372Pro)

Gene: MNDA (myeloid cell nuclear differentiation antigen; plus strand). Cytogenetic location: 1q23.1.
Variant type: single nucleotide variant.
Coding change: c.1115T>C on transcript NM_002432.3 (MANE Select); coding-DNA position 1115, T replaced by C.
Protein change: p.Leu372Pro; replaces leucine 372 with proline.
Molecular consequence: missense variant.
Genome position (GRCh38, 1-based): chr1:158,847,855, T>C. VCF-style: chr1-158847855-T-C. GRCh37 (hg19) VCF-style: chr1-158817645-T-C.
Other names: short protein forms L372P.
Identifiers: ClinVar variation 3397281 (VCV003397281.1).

ClinVar aggregate classification (germline): Uncertain significance (1 of 4 stars; one submission).

Submission:

Ambry Genetics
Classification: Uncertain significance. Last evaluated: 2024-08-12. Review status: criteria provided, single submitter. Criteria: Ambry Variant Classification Scheme 2023. Collection method: clinical testing. Allele origin: germline.
Comment: The p.L372P variant (also known as c.1115T>C), located in coding exon 5 of the MNDA gene, results from a T to C substitution at nucleotide position 1115. The leucine at codon 372 is replaced by proline, an amino acid with similar properties. This amino acid position is conserved. In addition, the in silico prediction for this alteration is inconclusive. Based on the available evidence, the clinical significance of this variant remains unclear.